The following is an entry in ClinVar:

NM_001365276.2(TNXB):c.1613G>A (p.Cys538Tyr)

Gene: TNXB (tenascin XB; minus strand). Cytogenetic location: 6p21.33.
Variant type: single nucleotide variant.
Coding change: c.1613G>A on transcript NM_001365276.2 (MANE Select); coding-DNA position 1613, G replaced by A.
Protein change: p.Cys538Tyr; replaces cysteine 538 with tyrosine.
Molecular consequence: missense variant.
Genome position (GRCh38, 1-based): chr6:32,096,240, C>T on the plus strand (G>A on the coding strand, the complement: TNXB is on the minus strand). VCF-style: chr6-32096240-C-T. GRCh37 (hg19) VCF-style: chr6-32064017-C-T.
Other names: c.1613G>A, p.Cys538Tyr (NM_019105.8); short protein forms C538Y.
Identifiers: ClinVar variation 3327924 (VCV003327924.1).

ClinVar aggregate classification (germline): Uncertain significance (1 of 4 stars; one submission).

Conditions:
Cardiovascular phenotype. Identifiers: MedGen CN230736.

Submission:

Ambry Genetics
Classification: Uncertain significance for Cardiovascular phenotype. Last evaluated: 2024-06-07. Review status: criteria provided, single submitter. Criteria: Ambry Variant Classification Scheme 2023. Collection method: clinical testing. Allele origin: germline.
Comment: The p.C538Y variant (also known as c.1613G>A), located in coding exon 2 of the TNXB gene, results from a G to A substitution at nucleotide position 1613. The cysteine at codon 538 is replaced by tyrosine, an amino acid with highly dissimilar properties. This amino acid position is conserved. In addition, the in silico prediction for this alteration is inconclusive. Based on the available evidence, the clinical significance of this variant remains unclear.